The following is an entry in ClinVar:

NM_001486.4(GCKR):c.775C>T (p.Arg259Trp)

Gene: GCKR (glucokinase regulator; plus strand). Cytogenetic location: 2p23.3.
Variant type: single nucleotide variant.
Coding change: c.775C>T on transcript NM_001486.4 (MANE Select); coding-DNA position 775, C replaced by T.
Protein change: p.Arg259Trp; replaces arginine 259 with tryptophan.
Molecular consequence: missense variant.
Genome position (GRCh38, 1-based): chr2:27,505,742, C>T. VCF-style: chr2-27505742-C-T. GRCh37 (hg19) VCF-style: chr2-27728609-C-T.
Other names: short protein forms R259W.
Identifiers: ClinVar variation 2075178 (VCV002075178.4), dbSNP rs138410297, ClinGen allele CA1581726.

ClinVar aggregate classification (germline): Uncertain significance (1 of 4 stars; one submission).

Allele frequency attached by ClinVar (database versions not stated): ESP Exome Variant Server 0.00031.
gnomAD v4.1: 243 of 1,610,266 alleles (0.015%); highest among the groups gnomAD compares: Middle Eastern, 0.067%; no homozygotes.

Submission:

Labcorp Genetics (formerly Invitae), Labcorp
Classification: Uncertain significance. Last evaluated: 2023-06-25. Review status: criteria provided, single submitter. Criteria: Invitae Variant Classification Sherloc (09022015). Collection method: clinical testing. Allele origin: germline.
Comment: In summary, the available evidence is currently insufficient to determine the role of this variant in disease. Therefore, it has been classified as a Variant of Uncertain Significance. Experimental studies have shown that this missense change affects GCKR function (PMID: 24879641). Advanced modeling of protein sequence and biophysical properties (such as structural, functional, and spatial information, amino acid conservation, physicochemical variation, residue mobility, and thermodynamic stability) performed at Invitae indicates that this missense variant is expected to disrupt GCKR protein function. ClinVar contains an entry for this variant (Variation ID: 2075178). This missense change has been observed in individual(s) with clinical features of GCKR-related conditions (PMID: 24879641). This variant is present in population databases (rs138410297, gnomAD 0.06%), and has an allele count higher than expected for a pathogenic variant. This sequence change replaces arginine, which is basic and polar, with tryptophan, which is neutral and slightly polar, at codon 259 of the GCKR protein (p.Arg259Trp).

Literature cited by the submitters: PubMed 24879641.